The following is an entry in ClinVar:

ClinVar aggregate classification (germline): Uncertain significance (1 of 4 stars; one submission).

Conditions:
Sandhoff disease. Also called: Beta-hexosaminidase-beta-subunit deficiency; GM2 gangliosidosis, type 2; Total hexosaminidase deficiency; Sandhoff-Jatzkewitz-Pilz disease; GM2-GANGLIOSIDOSIS, TYPE II; HEXOSAMINIDASES A AND B DEFICIENCY. Identifiers: Orphanet 796, MedGen C0036161, MONDO:0010006, OMIM 268800.

Allele frequency attached by ClinVar (database versions not stated): 1000 Genomes Project 30x 0.00016.

Submission:

Labcorp Genetics (formerly Invitae), Labcorp
Classification: Uncertain significance for Sandhoff disease. Last evaluated: 2024-10-16. Review status: criteria provided, single submitter. Criteria: Invitae Variant Classification Sherloc (09022015). Collection method: clinical testing. Allele origin: germline.
Comment: This sequence change replaces proline, which is neutral and non-polar, with leucine, which is neutral and non-polar, at codon 11 of the HEXB protein (p.Pro11Leu). This variant is not present in population databases (gnomAD no frequency). This variant has not been reported in the literature in individuals affected with HEXB-related conditions. ClinVar contains an entry for this variant (Variation ID: 1982906). Invitae Evidence Modeling of protein sequence and biophysical properties (such as structural, functional, and spatial information, amino acid conservation, physicochemical variation, residue mobility, and thermodynamic stability) indicates that this missense variant is not expected to disrupt HEXB protein function with a negative predictive value of 95%. In summary, the available evidence is currently insufficient to determine the role of this variant in disease. Therefore, it has been classified as a Variant of Uncertain Significance.

NM_000521.4(HEXB):c.32C>T (p.Pro11Leu)

Gene: HEXB (hexosaminidase subunit beta; plus strand). Cytogenetic location: 5q13.3.
Variant type: single nucleotide variant.
Coding change: c.32C>T on transcript NM_000521.4 (MANE Select); coding-DNA position 32, C replaced by T.
Protein change: p.Pro11Leu; replaces proline 11 with leucine.
Molecular consequence: missense variant. On other transcripts: intron variant (1).
Genome position (GRCh38, 1-based): chr5:74,685,292, C>T. VCF-style: chr5-74685292-C-T. GRCh37 (hg19) VCF-style: chr5-73981117-C-T.
Other names: c.-376-4036C>T (NM_001292004.2); short protein forms P11L.
Identifiers: ClinVar variation 1982906 (VCV001982906.3), dbSNP rs1454404113, ClinGen allele CA360061998.